The following is an entry in ClinVar:

NM_000533.5(PLP1):c.673del (p.Leu225fs)

Genes: RAB9B (RAB9B, member RAS oncogene family; minus strand), PLP1 (proteolipid protein 1; plus strand). Cytogenetic location: Xq22.2.
Variant type: Deletion.
Coding change: c.673del on transcript NM_000533.5 (MANE Select); coding-DNA position 673, one base deleted (C; older notation c.673delC).
Protein change: p.Leu225fs; shifts the reading frame from leucine 225.
Molecular consequence: frameshift variant.
Genome position (GRCh38, 1-based): chrX:103,788,487, C deleted. VCF-style (leftmost placement, unchanged base first): chrX-103788486-TC-T. GRCh37 (hg19) VCF-style: chrX-103043415-TC-T.
Other names: c.673del, p.Leu225fs (NM_001128834.3); c.508del, p.Leu170fs (NM_001305004.1); c.568del, p.Leu190fs (NM_199478.3); short protein forms L225fs, L170fs, L190fs.
Identifiers: ClinVar variation 280441 (VCV000280441.2), dbSNP rs886041648, ClinGen allele CA10603701.
Genomic context (GRCh38, chrX:103,788,486, plus strand): 5'-GTCTTACTTAGGTGTTCTCCCATGGAATGCTTTCCCTGGCAAGGTTTGTGGCTCCAACCT[TC>T]TGTCCATCTGCAAAACAGCTGAGGTGAGTGGGTTATTTGGGTTATTTTACAAGGGAGTAG-3'

ClinVar aggregate classification (germline): Pathogenic (1 of 4 stars; one submission).

Submission:

GeneDx
Classification: Pathogenic. Last evaluated: 2016-03-23. Review status: criteria provided, single submitter. Criteria: GeneDx Variant Classification (06012015). Collection method: clinical testing. Allele origin: germline. Affected: yes.
Comment: The c.673delC pathogenic variant in the PLP1 gene has not been reported previously as a pathogenic variant nor as a benign variant, to our knowledge. The c.673delC variant causes a frameshift starting with codon Leucine 225, changes this amino acid to a Cysteine residue, and creates a premature Stop codon at position 11 of the new reading frame, denoted p.Leu225CysfsX11. This variant is predicted to cause loss of normal protein function either through protein truncation or nonsense-mediated mRNA decay. The c.673delC variant was not observed in approximately 6,500 individuals of European and African American ancestry in the NHLBI Exome Sequencing Project, indicating it is not a common benign variant in these populations. We interpret c.673delC as a pathogenic variant.